The following is an entry in ClinVar:

NM_000051.4(ATM):c.2200_2204dup (p.Ile735delinsMetTer)

Gene: ATM (ATM serine/threonine kinase; plus strand). Cytogenetic location: 11q22.3.
Variant type: Duplication.
Coding change: c.2200_2204dup on transcript NM_000051.4 (MANE Select); coding-DNA positions 2200 to 2204, 5 bases duplicated (GTAAT; older notation c.2200_2204dupGTAAT).
Protein change: p.Ile735delinsMetTer.
Molecular consequence: nonsense.
Genome position (GRCh38, 1-based): chr11:108,256,290-108,256,294, GTAAT duplicated; duplicating any 5 consecutive bases within chr11:108,256,289-108,256,294 gives the same sequence; the c. name uses the placement nearest the transcript's 3' end. VCF-style (leftmost placement, unchanged base first): chr11-108256288-G-GTGTAA. GRCh37 (hg19) VCF-style: chr11-108127015-G-GTGTAA.
Other names: c.2200_2204dupGTAAT (NM_000051.3); c.2200_2204dup, p.Ile735delinsMetTer (NM_001351834.2).
Identifiers: ClinVar variation 421206 (VCV000421206.10), dbSNP rs1555074976, ClinGen allele CA16619135.

ClinVar aggregate classification (germline): Pathogenic/Likely pathogenic. Review status: criteria provided, multiple submitters, no conflicts (2 of 4 stars). 5 submissions from 5 submitters: Pathogenic (2); Likely pathogenic (3). Last evaluated 2024-01-17.

Conditions:
Familial cancer of breast. Also called: hereditary breast carcinoma; Hereditary breast cancer; BREAST CANCER, FAMILIAL. Identifiers: Orphanet 227535, MedGen C0346153, MONDO:0016419, OMIM 114480. Disease mechanism: loss of function.
Ataxia-telangiectasia syndrome (AT). Also called: Ataxia-telangiectasia, complementation group D; Cerebello-oculocutaneous telangiectasia; Immunodeficiency with ataxia telangiectasia; ATAXIA-TELANGIECTASIA, COMPLEMENTATION GROUP A; ATAXIA-TELANGIECTASIA, FRESNO VARIANT; LOUIS-BAR SYNDROME. Identifiers: Orphanet 100, MedGen C0004135, MONDO:0008840, OMIM 208900.
Malignant tumor of breast. Also called: Cancer breast; Malignant breast neoplasm. Identifiers: MedGen C0006142, MONDO:0007254. Disease mechanism: loss of function.

Submissions (5):

Myriad Genetics, Inc.
Classification: Pathogenic for Familial cancer of breast. Last evaluated: 2024-01-17. Review status: criteria provided, single submitter. Criteria: Myriad Autosomal Dominant, Autosomal Recessive and X-Linked Classification Criteria (2023). Collection method: clinical testing. Allele origin: unknown.
Comment: This variant is considered pathogenic. This variant creates a frameshift predicted to result in premature protein truncation.

Women's Health and Genetics/Laboratory Corporation of America, LabCorp
Classification: Likely pathogenic for Malignant tumor of breast. Last evaluated: 2022-10-10. Review status: criteria provided, single submitter. Criteria: LabCorp Variant Classification Summary - May 2015. Collection method: clinical testing. Allele origin: germline.
Comment: Variant summary: ATM c.2200_2204dupGTAAT (p.Ile735MetfsX2) results in a premature termination codon, predicted to cause a truncation of the encoded protein or absence of the protein due to nonsense mediated decay, which are commonly known mechanisms for disease. Truncations downstream of this position have been classified as pathogenic by our laboratory. The variant was absent in 251210 control chromosomes (gnomAD). To our knowledge, no occurrence of c.2200_2204dupGTAAT in individuals affected with ATM-related disorders and no experimental evidence demonstrating its impact on protein function have been reported. One clinical diagnostic laboratory has submitted a clinical-significance assessment for this variant to ClinVar after 2014 and classified the variant as likely pathogenic. Based on the evidence outlined above, the variant was classified as likely pathogenic.

Labcorp Genetics (formerly Invitae), Labcorp
Classification: Pathogenic for Ataxia-telangiectasia syndrome. Last evaluated: 2022-04-08. Review status: criteria provided, single submitter. Criteria: Invitae Variant Classification Sherloc (09022015). Collection method: clinical testing. Allele origin: germline.
Comment: This sequence change creates a premature translational stop signal (p.Ile735Metfs*2) in the ATM gene. It is expected to result in an absent or disrupted protein product. Loss-of-function variants in ATM are known to be pathogenic (PMID: 23807571, 25614872). This variant is not present in population databases (gnomAD no frequency). For these reasons, this variant has been classified as Pathogenic. ClinVar contains an entry for this variant (Variation ID: 421206). This variant has not been reported in the literature in individuals affected with ATM-related conditions.

Baylor Genetics
Classification: Likely pathogenic for Familial cancer of breast. Last evaluated: 2022-03-08. Review status: criteria provided, single submitter. Criteria: ACMG Guidelines, 2015. Collection method: clinical testing. Allele origin: unknown.

GeneDx
Classification: Likely pathogenic. Last evaluated: 2016-05-13. Review status: criteria provided, single submitter. Criteria: GeneDx Variant Classification (06012015). Collection method: clinical testing. Allele origin: germline. Affected: yes.
Comment: This duplication of 5 nucleotides in ATM is denoted c.2200_2204dupGTAAT at the cDNA level and p.Ile735MetfsX2 (I735MfsX2) at the protein level. The normal sequence, with the bases that are duplicated in braces, is GGGT[GTAAT]AGCT. The duplication causes a frameshift which changes an Isoleucine to a Methionine at codon 735 and creates a premature stop codon at position 2 of the new reading frame. Although this variant has not, to our knowledge, been reported in the literature, it is predicted to cause loss of normal protein function through either protein truncation or nonsense-mediated mRNA decay. Based on the currently available information, we consider this duplication to be a likely pathogenic variant.

Literature cited by the submitters: PubMed 23807571 (cited by Labcorp Genetics (formerly Invitae), Labcorp); PubMed 25614872 (cited by Labcorp Genetics (formerly Invitae), Labcorp).